The following is an entry in ClinVar:

NM_033225.6(CSMD1):c.1737C>T (p.Ser579=)

Gene: CSMD1 (CUB and Sushi multiple domains 1; minus strand). Cytogenetic location: 8p23.2.
Variant type: single nucleotide variant.
Coding change: c.1737C>T on transcript NM_033225.6 (MANE Select); coding-DNA position 1737, C replaced by T.
Protein change: p.Ser579=; no amino-acid change (serine 579 retained).
Molecular consequence: synonymous variant.
Genome position (GRCh38, 1-based): chr8:3,409,430, G>A on the plus strand (C>T on the coding strand, the complement: CSMD1 is on the minus strand). VCF-style: chr8-3409430-G-A. GRCh37 (hg19) VCF-style: chr8-3266952-G-A.
Identifiers: ClinVar variation 718334 (VCV000718334.12), dbSNP rs200980155, ClinGen allele CA4608694.

ClinVar aggregate classification (germline): Benign/Likely benign. Review status: criteria provided, multiple submitters, no conflicts (2 of 4 stars). 2 submissions from 2 submitters: Benign (1); Likely benign (1). Last evaluated 2026-06-01.

Allele frequency attached by ClinVar (database versions not stated): 1000 Genomes Project 0.00020; 1000 Genomes Project 30x 0.00031; gnomAD 0.00180; TOPMed 0.00184; gnomAD exomes 0.00195; ESP Exome Variant Server 0.00212; ExAC 0.00288.
gnomAD v4.1: 5,403 of 1,608,936 alleles (0.34%); highest among the groups gnomAD compares: Non-Finnish European, 0.42%; 11 homozygotes.

Submissions (2):

CeGaT Center for Human Genetics Tuebingen
Classification: Likely benign. Last evaluated: 2026-06-01. Review status: criteria provided, single submitter. Criteria: CeGaT Center For Human Genetics Tuebingen Variant Classification Criteria Version 2. Collection method: clinical testing. Allele origin: germline. Affected: yes. Observed: 2 variant alleles.
Comment: CSMD1: BP4, BP7

Labcorp Genetics (formerly Invitae), Labcorp
Classification: Benign. Last evaluated: 2019-12-31. Review status: criteria provided, single submitter. Criteria: Invitae Variant Classification Sherloc (09022015). Collection method: clinical testing. Allele origin: germline.